The following is an entry in ClinVar:

ClinVar aggregate classification (germline): Likely pathogenic (1 of 4 stars; one submission).

Conditions:
Hereditary nonpolyposis colorectal neoplasms. Identifiers: MedGen C0009405, MeSH D003123.

Submission:

Labcorp Genetics (formerly Invitae), Labcorp
Classification: Likely pathogenic for Hereditary nonpolyposis colorectal neoplasms. Last evaluated: 2022-06-28. Review status: criteria provided, single submitter. Criteria: Invitae Variant Classification Sherloc (09022015). Collection method: clinical testing. Allele origin: germline.
Comment: In summary, the currently available evidence indicates that the variant is pathogenic, but additional data are needed to prove that conclusively. Therefore, this variant has been classified as Likely Pathogenic. Algorithms developed to predict the effect of sequence changes on RNA splicing suggest that this variant may disrupt the consensus splice site. This variant has not been reported in the literature in individuals affected with PMS2-related conditions. This variant is not present in population databases (gnomAD no frequency). This sequence change affects a donor splice site in intron 4 of the PMS2 gene. It is expected to disrupt RNA splicing. Variants that disrupt the donor or acceptor splice site typically lead to a loss of protein function (PMID: 16199547), and loss-of-function variants in PMS2 are known to be pathogenic (PMID: 21376568, 24362816).

Literature cited by the submitters: PubMed 16199547; PubMed 21376568; PubMed 24362816.

NM_000535.7(PMS2):c.353+2T>A

Gene: PMS2 (PMS1 homolog 2, mismatch repair system component; minus strand). Cytogenetic location: 7p22.1.
Variant type: single nucleotide variant.
Coding change: c.353+2T>A on transcript NM_000535.7 (MANE Select); the canonical splice donor site of the intron after coding-DNA position 353, T replaced by A.
Molecular consequence: splice donor variant. On other transcripts: intron variant (22).
Genome position (GRCh38, 1-based): chr7:6,003,688, A>T on the plus strand (T>A on the coding strand, the complement: PMS2 is on the minus strand). VCF-style: chr7-6003688-A-T. GRCh37 (hg19) VCF-style: chr7-6043319-A-T.
Other names: c.35+284T>A (NM_001406903.1, NM_001322007.2, NM_001406876.1 and 4 more transcripts); c.-132+284T>A (NM_001406900.1, NM_001406881.1); c.-53+55T>A (NM_001406909.1, NM_001406907.1, NM_001406892.1 and 6 more transcripts); c.-132+55T>A (NM_001406880.1); c.-53+12T>A (NM_001406890.1); c.353+2T>A (NM_001406886.1, NM_001406884.1, NM_001406874.1 and 8 more transcripts); c.-532+2T>A (NM_001322011.2, NM_001322012.2); c.-132+2T>A (NM_001406878.1, NM_001406882.1, NM_001406875.1 and 3 more transcripts); and 5 more.
Identifiers: ClinVar variation 2011770 (VCV002011770.4), dbSNP rs111466480, ClinGen allele CA366744520.